The following is an entry in ClinVar:

ClinVar aggregate classification (germline): Likely benign (0 of 4 stars; one submission).

Conditions:
EPS8L2-related disorder. Also called: EPS8L2-related condition.

Submission:

PreventionGenetics, part of Exact Sciences
Classification: Likely benign for EPS8L2-related condition. Last evaluated: 2020-09-09. Review status: no assertion criteria provided. Collection method: clinical testing. Allele origin: germline.
Comment: This variant is classified as likely benign based on ACMG/AMP sequence variant interpretation guidelines (Richards et al. 2015 PMID: 25741868, with internal and published modifications).

NM_022772.4(EPS8L2):c.672G>T (p.Val224=)

Genes: EPS8L2 (EPS8 signaling adaptor L2; plus strand), LOC130005078 (ATAC-STARR-seq lymphoblastoid silent region 3018; plus strand). Cytogenetic location: 11p15.5.
Variant type: single nucleotide variant.
Coding change: c.672G>T on transcript NM_022772.4 (MANE Select); coding-DNA position 672, G replaced by T.
Protein change: p.Val224=; no amino-acid change (valine 224 retained).
Molecular consequence: synonymous variant.
Genome position (GRCh38, 1-based): chr11:721,178, G>T. VCF-style: chr11-721178-G-T. GRCh37 (hg19) VCF-style: chr11-721178-G-T.
Identifiers: ClinVar variation 3031855 (VCV003031855.2), dbSNP rs1053066750, ClinGen allele CA472437634.